The following is an entry in ClinVar:

ClinVar aggregate classification (germline): Likely pathogenic (1 of 4 stars; one submission).

Conditions:
Neuronal ceroid lipofuscinosis. Also called: Neuronal Ceroid Lipofuscinoses. Identifiers: Orphanet 216, Orphanet 79263, MedGen C0027877, MONDO:0016295. Disease mechanism: loss of function.

Submission:

Women's Health and Genetics/Laboratory Corporation of America, LabCorp
Classification: Likely pathogenic for Neuronal ceroid lipofuscinosis. Last evaluated: 2023-03-07. Review status: criteria provided, single submitter. Criteria: LabCorp Variant Classification Summary - May 2015. Collection method: clinical testing. Allele origin: germline.
Comment: Variant summary: KCTD7 c.393C>G (p.Tyr131X) results in a premature termination codon, predicted to cause a truncation of the encoded protein or absence of the protein due to nonsense mediated decay, which are commonly known mechanisms for disease. The variant was absent in 251486 control chromosomes (gnomAD). To our knowledge, no occurrence of c.393C>G in individuals affected with Neuronal Ceroid-Lipofuscinosis (Batten Disease) and no experimental evidence demonstrating its impact on protein function have been reported. No clinical diagnostic laboratories have submitted clinical-significance assessments for this variant to ClinVar after 2014. Based on the evidence outlined above, the variant was classified as likely pathogenic.

NM_153033.5(KCTD7):c.393C>G (p.Tyr131Ter)

Gene: KCTD7 (potassium channel tetramerization domain containing 7; plus strand). Cytogenetic location: 7q11.21.
Variant type: single nucleotide variant.
Coding change: c.393C>G on transcript NM_153033.5 (MANE Select); coding-DNA position 393, C replaced by G.
Protein change: p.Tyr131Ter; replaces tyrosine 131 with a stop codon.
Molecular consequence: nonsense.
Genome position (GRCh38, 1-based): chr7:66,638,331, C>G. VCF-style: chr7-66638331-C-G. GRCh37 (hg19) VCF-style: chr7-66103318-C-G.
Other names: c.393C>G, p.Tyr131Ter (NM_001167961.2); short protein forms Y131*.
Identifiers: ClinVar variation 2501012 (VCV002501012.1), dbSNP rs2116773941, ClinGen allele CA367696284.